The following is an entry in ClinVar:

ClinVar aggregate classification (germline): Pathogenic. Review status: criteria provided, multiple submitters, no conflicts (2 of 4 stars). 2 submissions from 2 submitters: Pathogenic (2). Last evaluated 2016-11-29.

Conditions:
Hereditary breast ovarian cancer syndrome. Also called: Breast and ovarian cancer; Hereditary breast and ovarian cancer; Hereditary breast and ovarian cancer syndrome; Hereditary breast and/or ovarian cancer syndrome; BRCA1- and BRCA2-Associated Hereditary Breast and Ovarian Cancer; Hereditary breast and ovarian cancer syndrome (HBOC). Identifiers: Orphanet 145, MedGen C0677776, MeSH D061325, MONDO:0003582. Disease mechanism: loss of function.
Breast-ovarian cancer, familial, susceptibility to, 1 (BROVCA1). Also called: BRCA1 Hereditary Breast and Ovarian Cancer; OVARIAN CANCER, SUSCEPTIBILITY TO. Identifiers: Orphanet 145, MedGen C2676676, MONDO:0011450, OMIM 604370. Disease mechanism: loss of function.

Submissions (2):

Labcorp Genetics (formerly Invitae), Labcorp
Classification: Pathogenic for Hereditary breast ovarian cancer syndrome. Last evaluated: 2016-11-29. Review status: criteria provided, single submitter. Criteria: Invitae Variant Classification Sherloc (09022015). Collection method: clinical testing. Allele origin: germline.
Comment: This variant is a gross deletion of the genomic region encompassing exons 15-16 of the BRCA1 gene. This leads to an in-frame deletion, preserving the integrity of the reading frame. Deletions of exons 15-16 have been reported in the literature in individuals and families affected with breast and ovarian cancer (PMID: 24825132, 12203994, 20232141, 18992264, 22544547). A deletion of exons 15-16 is also known as a deletion of exons 16-17 in the literature. Experimental studies have shown that this deletion results in the loss of BRCA1 transcriptional activation protein function (PMID: 18992264). For these reasons, this variant has been classified as Pathogenic.

Consortium of Investigators of Modifiers of BRCA1/2 (CIMBA), c/o University of Cambridge
Classification: Pathogenic for Breast-ovarian cancer, familial, susceptibility to, 1. Last evaluated: 2015-10-02. Review status: criteria provided, single submitter. Criteria: CIMBA Mutation Classification guidelines May 2016. Collection method: clinical testing. Allele origin: germline.

NM_007294.3(BRCA1):c.4676-?_5074+?del

Gene: BRCA1 (BRCA1 DNA repair associated; minus strand). Cytogenetic location: 17q21.31.
Variant type: Deletion.
Coding change: c.4676-?_5074+?del on transcript NM_007294.3.
Other names: c.4676-?_5074+?del (LRG_292t1).
Identifiers: ClinVar variation 216106 (VCV000216106.3).